The following is an entry in ClinVar:

NM_000059.4(BRCA2):c.517-2_631+1del

Gene: BRCA2 (BRCA2 DNA repair associated; plus strand). Cytogenetic location: 13q13.1.
Variant type: Deletion.
Coding change: c.517-2_631+1del on transcript NM_000059.4 (MANE Select); the canonical splice acceptor site of the intron before coding-DNA position 517 through the canonical splice donor site of the intron after coding-DNA position 631, 118 bases deleted.
Molecular consequence: splice acceptor variant, splice donor variant.
Genome position (GRCh38, 1-based): chr13:32,326,497-32,326,614, 118 bases deleted. GRCh37 (hg19): chr13:32,900,634-32,900,751.
Identifiers: ClinVar variation 1048937 (VCV001048937.2), dbSNP rs2137451892, ClinGen allele CA2499222047.

ClinVar aggregate classification (germline): Pathogenic (0 of 4 stars; one submission).

Conditions:
Malignant tumor of breast. Also called: Malignant breast neoplasm; Cancer breast. Identifiers: MedGen C0006142, MONDO:0007254. Disease mechanism: loss of function.

Submission:

Department of Pathology and Laboratory Medicine, Sinai Health System
Classification: Pathogenic for Malignant tumor of breast. Review status: no assertion criteria provided. Collection method: clinical testing. Allele origin: unknown. Affected: yes. Observed: 1 variant allele. Study: The Canadian Open Genetics Repository (COGR).
Comment: The c.517-?_631+?del variant has not been previously reported in the literature. The precise breakpoint of this deletion was not determined and so the consequence of this alteration cannot be predicted. Skipping or deletion of Exon 7 is possible or the creation of an alternatively spliced product that leads to a premature stop codon, an in-frame or out of frame deletion, a truncated or absent protein product and loss of function, are possibilities. The c.517-?_631+?del deletion in the BRCA2 gene is of the type that is expected to cause the disorder and is an established mechanism of mutation in hereditary breast cancer patients. In summary, based on the above information, this variant is classified as pathogenic.